The following is an entry in ClinVar:

NM_004444.5(EPHB4):c.853T>C (p.Cys285Arg)

Gene: EPHB4 (EPH receptor B4; minus strand). Cytogenetic location: 7q22.1.
Variant type: single nucleotide variant.
Coding change: c.853T>C on transcript NM_004444.5 (MANE Select); coding-DNA position 853, T replaced by C.
Protein change: p.Cys285Arg; replaces cysteine 285 with arginine.
Molecular consequence: missense variant.
Genome position (GRCh38, 1-based): chr7:100,820,252, A>G on the plus strand (T>C on the coding strand, the complement: EPHB4 is on the minus strand). VCF-style: chr7-100820252-A-G. GRCh37 (hg19) VCF-style: chr7-100417874-A-G.
Other names: short protein forms C285R.
Identifiers: ClinVar variation 1805042 (VCV001805042.2), dbSNP rs2485038073, ClinGen allele CA368578106.
Genomic context (GRCh38, chr7:100,820,252, plus strand): 5'-GGCACTGGCAGACGGCTGATCCAATGGTGTTAGAGTGGCTATTGGCTGGGCATGGCTGGC[A>G]GGACCCTTCTCCTGACAGGGGCTTGAAGGTGCCCTGGGCACAGGCTGAGAGAGAGAAAGC-3'
Protein context (NP_004435.3, residues 275-295): TFKPLSGEGS[Cys285Arg]QPCPANSHSN

ClinVar aggregate classification (germline): Uncertain significance. Review status: criteria provided, multiple submitters, no conflicts (2 of 4 stars). 2 submissions from 2 submitters: Uncertain significance (2). Last evaluated 2021-05-06.

Conditions:
Capillary malformation-arteriovenous malformation 2 (CMAVM2). Identifiers: Orphanet 693912, MedGen C4748670, MONDO:0020785, OMIM 618196.
Lymphedema. Also called: Lymphoedema. Identifiers: MedGen C0024236, MONDO:0019297, HP:0001004.

Submissions (2):

Victorian Clinical Genetics Services, Murdoch Childrens Research Institute
Classification: Uncertain significance for Capillary malformation-arteriovenous malformation 2. Last evaluated: 2021-05-06. Review status: criteria provided, single submitter. Criteria: ACMG Guidelines, 2015. Collection method: clinical testing. Allele origin: germline. Inheritance: Autosomal dominant inheritance. Affected: yes.
Comment: Based on the classification scheme VCGS_Germline_v1.3.4, this variant is classified as VUS-3B. Following criteria are met: 0102 - Loss of function is a known mechanism of disease in this gene and is associated with capillary malformation-arteriovenous malformation (MIM#618196) and lymphatic malformation (MIM#617300), (I) 0107 - This gene is associated with autosomal dominant disease. (I) 0115 - Variants in this gene are known to have variable expressivity (PMIDs: 29905864, 27400125, 30578106). (I) 0200 - Variant is predicted to result in a missense amino acid change from cysteine to arginine. (I) 0251 - This variant is heterozygous. (I) 0301 - Variant is absent from gnomAD (both v2 and v3). (SP) 0501 - Missense variant consistently predicted to be damaging by multiple in silico tools or highly conserved with a major amino acid change. (SP) 0604 - Variant is not located in an established domain, motif, hotspot or informative constraint region. (I) 0705 - No comparable missense variants have previous evidence for pathogenicity. (I) 0807 - This variant has no previous evidence of pathogenicity. (I) 0905 - No published segregation evidence has been identified for this variant. (I) 1007 - No published functional evidence has been identified for this variant. (I) 1208 - Inheritance information for this variant is not currently available in this individual. (I) Legend: (SP) - Supporting pathogenic, (I) - Information, (SB) - Supporting benign

Cambridge Genomics Laboratory, East Genomic Laboratory Hub, NHS Genomic Medicine Service
Classification: Uncertain significance for Lymphedema. Last evaluated: 2020-06-09. Review status: criteria provided, single submitter. Criteria: ACGS Best Practice Guidelines for Variant Classification in Rare Disease 2020. Collection method: clinical testing. Allele origin: germline. Affected: yes. Observed: 1 variant allele.

Literature cited by the submitters: PubMed 27400125 (cited by Victorian Clinical Genetics Services, Murdoch Childrens Research Institute); PubMed 29905864 (cited by Victorian Clinical Genetics Services, Murdoch Childrens Research Institute); PubMed 30578106 (cited by Victorian Clinical Genetics Services, Murdoch Childrens Research Institute).